The following is an entry in ClinVar:

NM_020812.4(DOCK6):c.5873C>G (p.Pro1958Arg)

Gene: DOCK6 (dedicator of cytokinesis 6; minus strand). Cytogenetic location: 19p13.2.
Variant type: single nucleotide variant.
Coding change: c.5873C>G on transcript NM_020812.4 (MANE Select); coding-DNA position 5873, C replaced by G.
Protein change: p.Pro1958Arg; replaces proline 1958 with arginine.
Molecular consequence: missense variant.
Genome position (GRCh38, 1-based): chr19:11,200,782, G>C on the plus strand (C>G on the coding strand, the complement: DOCK6 is on the minus strand). VCF-style: chr19-11200782-G-C. GRCh37 (hg19) VCF-style: chr19-11311458-G-C.
Other names: c.5873C>G (NM_020812.2); c.5978C>G, p.Pro1993Arg (NM_001367830.1); short protein forms P1993R, P1958R.
Identifiers: ClinVar variation 1933755 (VCV001933755.6), dbSNP rs372245070, ClinGen allele CA9206313.

ClinVar aggregate classification (germline): Uncertain significance. Review status: criteria provided, multiple submitters, no conflicts (2 of 4 stars). 2 submissions from 2 submitters: Uncertain significance (2). Last evaluated 2023-12-15.

Conditions:
Inborn genetic diseases. Identifiers: MedGen C0950123, MeSH D030342.

Allele frequency attached by ClinVar (database versions not stated): ExAC 0.00001; ESP Exome Variant Server 0.00008.
gnomAD v4.1: 6 of 1,613,386 alleles (0.00037%); highest among the groups gnomAD compares: Middle Eastern, 0.05%; no homozygotes.

Submissions (2):

Ambry Genetics
Classification: Uncertain significance for Inborn genetic diseases. Last evaluated: 2023-12-15. Review status: criteria provided, single submitter. Criteria: Ambry Variant Classification Scheme 2023. Collection method: clinical testing. Allele origin: germline.

Labcorp Genetics (formerly Invitae), Labcorp
Classification: Uncertain significance. Last evaluated: 2022-07-23. Review status: criteria provided, single submitter. Criteria: Invitae Variant Classification Sherloc (09022015). Collection method: clinical testing. Allele origin: germline.
Comment: In summary, the available evidence is currently insufficient to determine the role of this variant in disease. Therefore, it has been classified as a Variant of Uncertain Significance. Algorithms developed to predict the effect of missense changes on protein structure and function are either unavailable or do not agree on the potential impact of this missense change (SIFT: "Tolerated"; PolyPhen-2: "Possibly Damaging"; Align-GVGD: "Class C0"). This variant has not been reported in the literature in individuals affected with DOCK6-related conditions. This variant is present in population databases (rs372245070, gnomAD 0.0009%). This sequence change replaces proline, which is neutral and non-polar, with arginine, which is basic and polar, at codon 1958 of the DOCK6 protein (p.Pro1958Arg).